The following is an entry in ClinVar:

ClinVar aggregate classification (germline): Benign. Review status: reviewed by expert panel (3 of 4 stars). 2 submissions from 2 submitters: Benign (1). 1 of the submissions does not count toward it. Last evaluated 2015-01-12.

Conditions:
Breast-ovarian cancer, familial, susceptibility to, 1 (BROVCA1). Also called: BRCA1 Hereditary Breast and Ovarian Cancer; OVARIAN CANCER, SUSCEPTIBILITY TO. Identifiers: Orphanet 145, MedGen C2676676, MONDO:0011450, OMIM 604370. Disease mechanism: loss of function.

Allele frequency attached by ClinVar (database versions not stated): 1000 Genomes Project 0.03355; 1000 Genomes Project 30x 0.03389; TOPMed 0.05376; gnomAD 0.05718 and 0.05810.
gnomAD v4.1: 8,689 of 152,026 alleles (5.7%); highest among the groups gnomAD compares: Middle Eastern, 7.9%; 344 homozygotes.

Submissions (2):

Evidence-based Network for the Interpretation of Germline Mutant Alleles (ENIGMA)
Classification: Benign for Breast-ovarian cancer, familial 1. Last evaluated: 2015-01-12. Review status: reviewed by expert panel. Criteria: ENIGMA BRCA1/2 Classification Criteria (2015). Collection method: curation. Allele origin: germline.
Comment: Class 1 not pathogenic based on frequency >1% in an outbred sampleset. Frequency 0.0122 (African), 0.08443 (European), derived from 1000 genomes (2012-04-30).

Breakthrough Genomics
Classification: Benign. Review status: criteria provided, single submitter. Criteria: ACMG Guidelines, 2015. Collection method: not provided. Allele origin: germline. Inheritance: Autosomal recessive inheritance. Affected: yes. Not counted in ClinVar's aggregate classification.

NM_007294.4(BRCA1):c.4986+846G>A

Gene: BRCA1 (BRCA1 DNA repair associated; minus strand). Cytogenetic location: 17q21.31.
Variant type: single nucleotide variant.
Coding change: c.4986+846G>A on transcript NM_007294.4 (MANE Select); 846 bases into the intron after coding-DNA position 4986, G replaced by A.
Molecular consequence: intron variant.
Genome position (GRCh38, 1-based): chr17:43,070,082, C>T on the plus strand (G>A on the coding strand, the complement: BRCA1 is on the minus strand). VCF-style: chr17-43070082-C-T. GRCh37 (hg19) VCF-style: chr17-41222099-C-T.
Other names: IVS 16+846G>A; c.1674+846G>A (NM_001407986.1, NM_001407979.1, NM_001407982.1 and 12 more transcripts); c.1740+846G>A (NM_001407972.1); c.4980+846G>A (NM_001407630.1, NM_001407633.1, NM_001407642.1 and 14 more transcripts); c.4983+846G>A (NM_001407615.1, NM_001407625.1, NM_001407619.1 and 17 more transcripts); c.5046+846G>A (NM_001407591.1, NM_001407590.1); c.1551+846G>A (NM_001408441.1, NM_001408437.1, NM_001408442.1 and 10 more transcripts); c.1554+846G>A (NM_001408429.1, NM_001408426.1, NM_001408430.1 and 4 more transcripts); and 72 more.
Identifiers: ClinVar variation 209356 (VCV000209356.3), dbSNP rs8176222, ClinGen allele CA276328.